The following is an entry in ClinVar:

ClinVar aggregate classification (germline): Conflicting classifications of pathogenicity. Review status: criteria provided, conflicting classifications (1 of 4 stars). 2 submissions from 1 submitter: Uncertain significance (1); Likely benign (1). Last evaluated 2018-01-12.

Conditions:
Paroxysmal extreme pain disorder (PEXPD). Also called: PAIN, SUBMANDIBULAR, OCULAR, AND RECTAL, WITH FLUSHING; RECTAL PAIN, FAMILIAL; SCN9A Paroxysmal Extreme Pain Disorder (SCN9A-PEPD). Identifiers: Orphanet 46348, MedGen C1833661, MONDO:0008179, OMIM 167400.
Channelopathy-associated congenital insensitivity to pain, autosomal recessive. Also called: CONGENITAL ANALGESIA, AUTOSOMAL RECESSIVE; Insensitivity to pain, channelopathy-associated; ASYMBOLIA FOR PAIN. Identifiers: Orphanet 88642, Orphanet 970, MedGen C1855739, MONDO:0009459, OMIM 243000.

Allele frequency attached by ClinVar (database versions not stated): TOPMed 0.00002; gnomAD 0.00001; ExAC 0.00004.
gnomAD v4.1: 111 of 1,547,910 alleles (0.0072%); highest among the groups gnomAD compares: Non-Finnish European, 0.0094%; no homozygotes.

Submissions (2):

Illumina Laboratory Services, Illumina
Classification: Uncertain significance for Channelopathy-associated congenital insensitivity to pain, autosomal recessive. Last evaluated: 2018-01-12. Review status: criteria provided, single submitter. Criteria: ICSL Variant Classification Criteria 13 December 2019. Collection method: clinical testing. Allele origin: germline.

Illumina Laboratory Services, Illumina
Classification: Likely benign for Paroxysmal extreme pain disorder. Last evaluated: 2018-01-12. Review status: criteria provided, single submitter. Criteria: ICSL Variant Classification Criteria 13 December 2019. Collection method: clinical testing. Allele origin: germline.
Comment: This variant was observed in the ICSL laboratory as part of a predisposition screen in an ostensibly healthy population. It had not been previously curated by ICSL or reported in the Human Gene Mutation Database (HGMD: prior to June 1st, 2018), and was therefore a candidate for classification through an automated scoring system. Utilizing variant allele frequency, disease prevalence and penetrance estimates, and inheritance mode, an automated score was calculated to assess if this variant is too frequent to cause the disease. Based on the score and internal cut-off values, a variant classified as likely benign is not then subjected to further curation. The score for this variant resulted in a classification of likely benign for this disease.

NM_001365536.1(SCN9A):c.-31G>A

Gene: SCN9A (sodium voltage-gated channel alpha subunit 9; minus strand). Cytogenetic location: 2q24.3.
Variant type: single nucleotide variant.
Coding change: c.-31G>A on transcript NM_001365536.1 (MANE Select); 31 bases upstream of the start codon, G replaced by A.
Molecular consequence: 5 prime UTR variant.
Genome position (GRCh38, 1-based): chr2:166,311,787, C>T on the plus strand (G>A on the coding strand, the complement: SCN9A is on the minus strand). VCF-style: chr2-166311787-C-T. GRCh37 (hg19) VCF-style: chr2-167168297-C-T.
Other names: c.-31G>A (NM_002977.4).
Identifiers: ClinVar variation 893993 (VCV000893993.4), dbSNP rs200780217, ClinGen allele CA1944915.
Genomic context (GRCh38, chr2:166,311,787, plus strand): 5'-CTGAGGTCCTGGGGGAGGCAACATTGCCATCTTTTCATCCTGTATATTTTAATTCCTCTT[C>T]AGCTCCTCACATAAGAGGCCTGGATGGAAACAAAGAAATAAAGACTTAACTATTTGCCTG-3'